The following is an entry in ClinVar:

ClinVar aggregate classification (germline): Uncertain significance (1 of 4 stars; one submission).

Conditions:
Cardiovascular phenotype. Identifiers: MedGen CN230736.

Allele frequency attached by ClinVar (database versions not stated): gnomAD exomes below 0.00001; TOPMed below 0.00001.

Submission:

Ambry Genetics
Classification: Uncertain significance for Cardiovascular phenotype. Last evaluated: 2025-03-02. Review status: criteria provided, single submitter. Criteria: Ambry Variant Classification Scheme 2023. Collection method: clinical testing. Allele origin: germline.
Comment: The p.T243I variant (also known as c.728C>T), located in coding exon 1 of the DOLK gene, results from a C to T substitution at nucleotide position 728. The threonine at codon 243 is replaced by isoleucine, an amino acid with similar properties. This amino acid position is not well conserved in available vertebrate species, and isoleucine is the reference amino acid in other vertebrate species. In addition, this alteration is predicted to be tolerated by in silico analysis. Since supporting evidence is limited at this time, the clinical significance of this alteration remains unclear.

NM_014908.4(DOLK):c.728C>T (p.Thr243Ile)

Gene: DOLK (dolichol kinase; minus strand). Cytogenetic location: 9q34.11.
Variant type: single nucleotide variant.
Coding change: c.728C>T on transcript NM_014908.4 (MANE Select); coding-DNA position 728, C replaced by T.
Protein change: p.Thr243Ile; replaces threonine 243 with isoleucine.
Molecular consequence: missense variant.
Genome position (GRCh38, 1-based): chr9:128,946,576, G>A on the plus strand (C>T on the coding strand, the complement: DOLK is on the minus strand). VCF-style: chr9-128946576-G-A. GRCh37 (hg19) VCF-style: chr9-131708855-G-A.
Other names: short protein forms T243I.
Identifiers: ClinVar variation 1758096 (VCV001758096.3), dbSNP rs1841673229, ClinGen allele CA375123306.